The following is an entry in ClinVar:

ClinVar aggregate classification (germline): Pathogenic (1 of 4 stars; one submission).

Conditions:
Oculofaciocardiodental syndrome (MCOPS2). Identifiers: Orphanet 2712, MedGen C1846265, MONDO:0010261, OMIM 300166.

Submission:

Labcorp Genetics (formerly Invitae), Labcorp
Classification: Pathogenic for Oculofaciocardiodental syndrome. Last evaluated: 2019-04-04. Review status: criteria provided, single submitter. Criteria: Invitae Variant Classification Sherloc (09022015). Collection method: clinical testing. Allele origin: germline.
Comment: This sequence change creates a premature translational stop signal (p.Lys839Serfs*17) in the BCOR gene. It is expected to result in an absent or disrupted protein product. This variant is not present in population databases (ExAC no frequency). For these reasons, this variant has been classified as Pathogenic. Loss-of-function variants in BCOR are known to be pathogenic (PMID: 15004558, 19367324). This variant has not been reported in the literature in individuals with BCOR-related conditions.

Literature cited by the submitters: PubMed 15004558; PubMed 19367324.

NM_001123385.2(BCOR):c.2514del (p.Lys839fs)

Gene: BCOR (BCL6 corepressor; minus strand). Cytogenetic location: Xp11.4.
Variant type: Deletion.
Coding change: c.2514del on transcript NM_001123385.2 (MANE Select); coding-DNA position 2514, one base deleted (C; older notation c.2514delC).
Protein change: p.Lys839fs; shifts the reading frame from lysine 839.
Molecular consequence: frameshift variant.
Genome position (GRCh38, 1-based): chrX:40,072,832, G deleted on the plus strand (C on the coding strand, the reverse complement: BCOR is on the minus strand); the first of 6 consecutive G bases (chrX:40,072,832-40,072,837); deleting any one gives the same sequence. VCF-style (leftmost placement, unchanged base first): chrX-40072831-TG-T. GRCh37 (hg19) VCF-style: chrX-39932084-TG-T.
Other names: c.2509delC, p.Lys839Serfs (NM_001123383.2); c.2514del, p.Lys839fs (NM_001123384.2, NM_017745.6); short protein forms K839fs.
Identifiers: ClinVar variation 852389 (VCV000852389.7), dbSNP rs1394942244, ClinGen allele CA516345602.